The following is an entry in ClinVar:

NM_019093.4(UGT1A3):c.396A>G (p.Leu132=)

Genes: UGT1A10 (UDP glucuronosyltransferase family 1 member A10; plus strand), UGT1A3 (UDP glucuronosyltransferase family 1 member A3; plus strand), UGT1A4 (UDP glucuronosyltransferase family 1 member A4; plus strand), UGT1A5 (UDP glucuronosyltransferase family 1 member A5; plus strand), UGT1A6 (UDP glucuronosyltransferase family 1 member A6; plus strand) and 4 more. Cytogenetic location: 2q37.1.
Variant type: single nucleotide variant.
Coding change: c.396A>G on transcript NM_019093.4 (MANE Select); coding-DNA position 396, A replaced by G.
Protein change: p.Leu132=; no amino-acid change (leucine 132 retained).
Molecular consequence: synonymous variant. On other transcripts: intron variant (8).
Genome position (GRCh38, 1-based): chr2:233,729,522, A>G. VCF-style: chr2-233729522-A-G. GRCh37 (hg19) VCF-style: chr2-234638168-A-G.
Other names: c.856-37512A>G (NM_019076.5, NM_019075.4, NM_021027.3 and 1 more transcripts); c.60+35657A>G (NM_205862.3); c.861+35657A>G (NM_001072.4); c.867+15664A>G (NM_019078.2); c.867+9835A>G (NM_007120.3).
Identifiers: ClinVar variation 3025340 (VCV003025340.22), dbSNP rs146432524, ClinGen allele CA2179257.

ClinVar aggregate classification (germline): Likely benign (1 of 4 stars; one submission).

Allele frequency attached by ClinVar (database versions not stated): ExAC 0.00034; TOPMed 0.00035; ESP Exome Variant Server 0.00038; gnomAD 0.00039; 1000 Genomes Project 0.00040; 1000 Genomes Project 30x 0.00047; gnomAD exomes 0.00080.
gnomAD v4.1: 1,184 of 1,614,192 alleles (0.073%); highest among the groups gnomAD compares: Non-Finnish European, 0.098%; 2 homozygotes.

Submission:

CeGaT Center for Human Genetics Tuebingen
Classification: Likely benign. Last evaluated: 2024-02-01. Review status: criteria provided, single submitter. Criteria: CeGaT Center For Human Genetics Tuebingen Variant Classification Criteria Version 2. Collection method: clinical testing. Allele origin: germline. Affected: yes. Observed: 1 variant allele.
Comment: UGT1A3: BP4, BP7